The following is an entry in ClinVar:

ClinVar aggregate classification (germline): Uncertain significance (1 of 4 stars; one submission).

Allele frequency attached by ClinVar (database versions not stated): ExAC 0.00002.
gnomAD v4.1: 1 of 1,559,778 alleles (0.000064%); no homozygotes.

Submission:

Labcorp Genetics (formerly Invitae), Labcorp
Classification: Uncertain significance. Last evaluated: 2025-03-27. Review status: criteria provided, single submitter. Criteria: Invitae Variant Classification Sherloc (09022015). Collection method: clinical testing. Allele origin: germline.
Comment: This sequence change replaces glutamine, which is neutral and polar, with glutamic acid, which is acidic and polar, at codon 89 of the AVP protein (p.Gln89Glu). This variant is present in population databases (rs751535373, gnomAD 0.003%). This variant has not been reported in the literature in individuals affected with AVP-related conditions. ClinVar contains an entry for this variant (Variation ID: 1975041). An algorithm developed to predict the effect of missense changes on protein structure and function (PolyPhen-2) suggests that this variant is likely to be tolerated. In summary, the available evidence is currently insufficient to determine the role of this variant in disease. Therefore, it has been classified as a Variant of Uncertain Significance.

NM_000490.5(AVP):c.265C>G (p.Gln89Glu)

Gene: AVP (arginine vasopressin; minus strand). Cytogenetic location: 20p13.
Variant type: single nucleotide variant.
Coding change: c.265C>G on transcript NM_000490.5 (MANE Select); coding-DNA position 265, C replaced by G.
Protein change: p.Gln89Glu; replaces glutamine 89 with glutamic acid.
Molecular consequence: missense variant.
Genome position (GRCh38, 1-based): chr20:3,083,034, G>C on the plus strand (C>G on the coding strand, the complement: AVP is on the minus strand). VCF-style: chr20-3083034-G-C. GRCh37 (hg19) VCF-style: chr20-3063680-G-C.
Other names: short protein forms Q89E.
Identifiers: ClinVar variation 1975041 (VCV001975041.5), dbSNP rs751535373, ClinGen allele CA9739449.